The following is an entry in ClinVar:

ClinVar aggregate classification (germline): Uncertain significance. Review status: criteria provided, multiple submitters, no conflicts (2 of 4 stars). 3 submissions from 3 submitters: Uncertain significance (3). Last evaluated 2025-09-28.

Conditions:
Inborn genetic diseases. Identifiers: MedGen C0950123, MeSH D030342.

Allele frequency attached by ClinVar (database versions not stated): TOPMed 0.00002.
gnomAD v4.1: 15 of 1,613,616 alleles (0.00093%); highest among the groups gnomAD compares: Non-Finnish European, 0.0012%; no homozygotes.

Submissions (3):

Ambry Genetics
Classification: Uncertain significance for Inborn genetic diseases. Last evaluated: 2025-09-28. Review status: criteria provided, single submitter. Criteria: Ambry Variant Classification Scheme 2023. Collection method: clinical testing. Allele origin: germline.

Labcorp Genetics (formerly Invitae), Labcorp
Classification: Uncertain significance. Last evaluated: 2025-05-12. Review status: criteria provided, single submitter. Criteria: Invitae Variant Classification Sherloc (09022015). Collection method: clinical testing. Allele origin: germline.
Comment: This sequence change replaces alanine, which is neutral and non-polar, with valine, which is neutral and non-polar, at codon 262 of the RGS9 protein (p.Ala262Val). This variant is not present in population databases (gnomAD no frequency). This variant has not been reported in the literature in individuals affected with RGS9-related conditions. ClinVar contains an entry for this variant (Variation ID: 1042354). Invitae Evidence Modeling of protein sequence and biophysical properties (such as structural, functional, and spatial information, amino acid conservation, physicochemical variation, residue mobility, and thermodynamic stability) indicates that this missense variant is not expected to disrupt RGS9 protein function with a negative predictive value of 80%. In summary, the available evidence is currently insufficient to determine the role of this variant in disease. Therefore, it has been classified as a Variant of Uncertain Significance.

Blueprint Genetics
Classification: Uncertain significance. Last evaluated: 2020-12-31. Review status: criteria provided, single submitter. Criteria: ACMG Guidelines, 2015. Collection method: clinical testing. Allele origin: germline.

NM_003835.4(RGS9):c.785C>T (p.Ala262Val)

Gene: RGS9 (regulator of G protein signaling 9; plus strand). Cytogenetic location: 17q24.1.
Variant type: single nucleotide variant.
Coding change: c.785C>T on transcript NM_003835.4 (MANE Select); coding-DNA position 785, C replaced by T.
Protein change: p.Ala262Val; replaces alanine 262 with valine.
Molecular consequence: missense variant.
Genome position (GRCh38, 1-based): chr17:65,193,581, C>T. VCF-style: chr17-65193581-C-T. GRCh37 (hg19) VCF-style: chr17-63189699-C-T.
Other names: c.785C>T (NM_003835.3); c.776C>T, p.Ala259Val (NM_001081955.3, NM_001165933.2); short protein forms A259V, A262V.
Identifiers: ClinVar variation 1042354 (VCV001042354.10), dbSNP rs775975582, ClinGen allele CA400665492.